The following is an entry in ClinVar:

NM_001382430.1(AKT1):c.1252G>C (p.Glu418Gln)

Gene: AKT1 (AKT serine/threonine kinase 1; minus strand). Cytogenetic location: 14q32.33.
Variant type: single nucleotide variant.
Coding change: c.1252G>C on transcript NM_001382430.1 (MANE Select); coding-DNA position 1252, G replaced by C.
Protein change: p.Glu418Gln; replaces glutamic acid 418 with glutamine.
Molecular consequence: missense variant.
Genome position (GRCh38, 1-based): chr14:104,772,373, C>G on the plus strand (G>C on the coding strand, the complement: AKT1 is on the minus strand). VCF-style: chr14-104772373-C-G. GRCh37 (hg19) VCF-style: chr14-105238710-C-G.
Other names: c.1252G>C, p.Glu418Gln (NM_001014431.2, NM_001014432.2, NM_001382431.1 and 3 more transcripts); short protein forms E418Q.
Identifiers: ClinVar variation 2453714 (VCV002453714.3), dbSNP rs764863282, ClinGen allele CA391216077.

ClinVar aggregate classification (germline): Uncertain significance. Review status: criteria provided, multiple submitters, no conflicts (2 of 4 stars). 2 submissions from 2 submitters: Uncertain significance (2). Last evaluated 2023-12-28.

Conditions:
Inborn genetic diseases. Identifiers: MedGen C0950123, MeSH D030342.

Submissions (2):

Blueprint Genetics
Classification: Uncertain significance. Last evaluated: 2023-12-28. Review status: criteria provided, single submitter. Criteria: ACMG Guidelines, 2015. Collection method: clinical testing. Allele origin: germline.

Ambry Genetics
Classification: Uncertain significance for Inborn genetic diseases. Last evaluated: 2023-02-25. Review status: criteria provided, single submitter. Criteria: Ambry Variant Classification Scheme 2023. Collection method: clinical testing. Allele origin: germline.
Comment: The p.E418Q variant (also known as c.1252G>C), located in coding exon 11 of the AKT1 gene, results from a G to C substitution at nucleotide position 1252. The glutamic acid at codon 418 is replaced by glutamine, an amino acid with highly similar properties. This amino acid position is conserved. In addition, this alteration is predicted to be tolerated by in silico analysis. Since supporting evidence is limited at this time, the clinical significance of this alteration remains unclear.